The following is an entry in ClinVar:

ClinVar aggregate classification (germline): Uncertain significance (1 of 4 stars; one submission).

Conditions:
Hereditary cancer-predisposing syndrome. Also called: Neoplastic Syndromes, Hereditary; Tumor predisposition; Hereditary neoplastic syndrome; Hereditary Cancer Syndrome. Identifiers: Orphanet 140162, MedGen C0027672, MeSH D009386, MONDO:0015356.

Submission:

Ambry Genetics
Classification: Uncertain significance for Hereditary cancer-predisposing syndrome. Last evaluated: 2024-01-12. Review status: criteria provided, single submitter. Criteria: Ambry Variant Classification Scheme 2023. Collection method: clinical testing. Allele origin: germline.
Comment: The p.I214N variant (also known as c.641T>A), located in coding exon 4 of the BARD1 gene, results from a T to A substitution at nucleotide position 641. The isoleucine at codon 214 is replaced by asparagine, an amino acid with dissimilar properties. This amino acid position is conserved. In addition, the in silico prediction for this alteration is inconclusive. Since supporting evidence is limited at this time, the clinical significance of this alteration remains unclear.

NM_000465.4(BARD1):c.641T>A (p.Ile214Asn)

Gene: BARD1 (BRCA1 associated RING domain 1; minus strand). Cytogenetic location: 2q35.
Variant type: single nucleotide variant.
Coding change: c.641T>A on transcript NM_000465.4 (MANE Select); coding-DNA position 641, T replaced by A.
Protein change: p.Ile214Asn; replaces isoleucine 214 with asparagine.
Molecular consequence: missense variant. On other transcripts: non-coding transcript variant (2), intron variant (3).
Genome position (GRCh38, 1-based): chr2:214,781,233, A>T on the plus strand (T>A on the coding strand, the complement: BARD1 is on the minus strand). VCF-style: chr2-214781233-A-T. GRCh37 (hg19) VCF-style: chr2-215645957-A-T.
Other names: c.584T>A, p.Ile195Asn (NM_001282543.2); c.158+28179T>A (NM_001282548.2); c.215+15828T>A (NM_001282545.2); c.364+11064T>A (NM_001282549.2); short protein forms I195N, I214N.
Identifiers: ClinVar variation 3231804 (VCV003231804.1), dbSNP rs1695006868, ClinGen allele CA350456618.